The following is an entry in ClinVar:

NM_001401501.2(MUC16):c.42766A>G (p.Lys14256Glu)

Gene: MUC16 (mucin 16, cell surface associated; minus strand). Cytogenetic location: 19p13.2.
Variant type: single nucleotide variant.
Coding change: c.42766A>G on transcript NM_001401501.2 (MANE Select); coding-DNA position 42766, A replaced by G.
Protein change: p.Lys14256Glu; replaces lysine 14256 with glutamic acid.
Molecular consequence: missense variant.
Genome position (GRCh38, 1-based): chr19:8,891,900, T>C on the plus strand (A>G on the coding strand, the complement: MUC16 is on the minus strand). VCF-style: chr19-8891900-T-C. GRCh37 (hg19) VCF-style: chr19-9002576-T-C.
Other names: c.43192A>G, p.Lys14398Glu (NM_001414686.1); c.42646A>G, p.Lys14216Glu (NM_001414687.1); c.40240A>G, p.Lys13414Glu (NM_024690.2); short protein forms K13414E, K14216E, K14256E, K14398E.
Identifiers: ClinVar variation 3060226 (VCV003060226.2), dbSNP rs80214581, ClinGen allele CA9163491.

ClinVar aggregate classification (germline): Benign (0 of 4 stars; one submission).

Conditions:
MUC16-related disorder. Also called: MUC16-related condition.

Allele frequency attached by ClinVar (database versions not stated): 1000 Genomes Project 30x 0.07027; ExAC 0.41463.

Submission:

PreventionGenetics, part of Exact Sciences
Classification: Benign for MUC16-related condition. Last evaluated: 2019-10-18. Review status: no assertion criteria provided. Collection method: clinical testing. Allele origin: germline.
Comment: This variant is classified as benign based on ACMG/AMP sequence variant interpretation guidelines (Richards et al. 2015 PMID: 25741868, with internal and published modifications).